The following is an entry in ClinVar:

NM_002439.5(MSH3):c.511G>C (p.Asp171His)

Gene: MSH3 (mutS homolog 3; plus strand). Cytogenetic location: 5q14.1.
Variant type: single nucleotide variant.
Coding change: c.511G>C on transcript NM_002439.5 (MANE Select); coding-DNA position 511, G replaced by C.
Protein change: p.Asp171His; replaces aspartic acid 171 with histidine.
Molecular consequence: missense variant.
Genome position (GRCh38, 1-based): chr5:80,665,295, G>C. VCF-style: chr5-80665295-G-C. GRCh37 (hg19) VCF-style: chr5-79961114-G-C.
Other names: short protein forms D171H.
Identifiers: ClinVar variation 5024789 (VCV005024789.1).

ClinVar aggregate classification (germline): Uncertain significance (1 of 4 stars; one submission).

Conditions:
Hereditary cancer-predisposing syndrome. Also called: Neoplastic Syndromes, Hereditary; Tumor predisposition; Hereditary neoplastic syndrome; Hereditary Cancer Syndrome. Identifiers: Orphanet 140162, MedGen C0027672, MeSH D009386, MONDO:0015356.

Submission:

Ambry Genetics
Classification: Uncertain significance for Hereditary cancer-predisposing syndrome. Last evaluated: 2026-07-07. Review status: criteria provided, single submitter. Criteria: Ambry Variant Classification Scheme 2023. Collection method: clinical testing. Allele origin: germline.
Comment: The p.D171H variant (also known as c.511G>C), located in coding exon 3 of the MSH3 gene, results from a G to C substitution at nucleotide position 511. The aspartic acid at codon 171 is replaced by histidine, an amino acid with similar properties. This amino acid position is conserved. In addition, the in silico prediction for this alteration is inconclusive. Based on the available evidence, the clinical significance of this variant remains unclear.